The following is an entry in ClinVar:

ClinVar aggregate classification (germline): Uncertain significance. Review status: criteria provided, multiple submitters, no conflicts (2 of 4 stars). 2 submissions from 2 submitters: Uncertain significance (2). Last evaluated 2022-03-31.

Conditions:
Hereditary cancer-predisposing syndrome. Also called: Neoplastic Syndromes, Hereditary; Tumor predisposition; Hereditary Cancer Syndrome; Hereditary neoplastic syndrome. Identifiers: Orphanet 140162, MedGen C0027672, MeSH D009386, MONDO:0015356.

Submissions (2):

Ambry Genetics
Classification: Uncertain significance for Hereditary cancer-predisposing syndrome. Last evaluated: 2022-03-31. Review status: criteria provided, single submitter. Criteria: Ambry Variant Classification Scheme 2023. Collection method: clinical testing. Allele origin: germline.
Comment: The p.T208A variant (also known as c.622A>G), located in coding exon 8 of the BRCA1 gene, results from an A to G substitution at nucleotide position 622. The threonine at codon 208 is replaced by alanine, an amino acid with similar properties. This amino acid position is conserved. In addition, the in silico prediction for this alteration is inconclusive. Since supporting evidence is limited at this time, the clinical significance of this alteration remains unclear.

Color Diagnostics, LLC DBA Color Health
Classification: Uncertain significance for Hereditary cancer-predisposing syndrome. Last evaluated: 2020-02-09. Review status: criteria provided, single submitter. Criteria: ACMG Guidelines, 2015. Collection method: clinical testing. Allele origin: germline.
Comment: This missense variant replaces threonine with alanine at codon 208 of the BRCA1 protein. Computational prediction is inconclusive regarding the impact of this variant on protein structure and function (internally defined REVEL score threshold 0.5 < inconclusive < 0.7, PMID: 27666373). Splice site prediction tools suggest that this variant may not impact RNA splicing. To our knowledge, functional studies have not been performed for this variant. This variant has not been reported in individuals affected with hereditary cancer in the literature. This variant has not been identified in the general population by the Genome Aggregation Database (gnomAD). The available evidence is insufficient to determine the role of this variant in disease conclusively. Therefore, this variant is classified as a Variant of Uncertain Significance.

NM_007294.4(BRCA1):c.622A>G (p.Thr208Ala)

Gene: BRCA1 (BRCA1 DNA repair associated; minus strand). Cytogenetic location: 17q21.31.
Variant type: single nucleotide variant.
Coding change: c.622A>G on transcript NM_007294.4 (MANE Select); coding-DNA position 622, A replaced by G.
Protein change: p.Thr208Ala; replaces threonine 208 with alanine.
Molecular consequence: missense variant. On other transcripts: non-coding transcript variant (1).
Genome position (GRCh38, 1-based): chr17:43,095,894, T>C on the plus strand (A>G on the coding strand, the complement: BRCA1 is on the minus strand). VCF-style: chr17-43095894-T-C. GRCh37 (hg19) VCF-style: chr17-41247911-T-C.
Other names: c.622A>G, p.Thr208Ala (NM_001407605.1, NM_001407622.1, NM_001407616.1 and 59 more transcripts); c.619A>G, p.Thr207Ala (NM_001407610.1, NM_001407611.1, NM_001407615.1 and 41 more transcripts); c.409A>G, p.Thr137Ala (NM_001407571.1, NM_001407853.1, NM_001407894.1 and 12 more transcripts); c.613A>G, p.Thr205Ala (NM_001407646.1, NM_001407647.1, NM_001408408.1); c.544A>G, p.Thr182Ala (NM_001407653.1, NM_001407654.1, NM_001407655.1 and 9 more transcripts); c.541A>G, p.Thr181Ala (NM_001407659.1, NM_001407660.1, NM_001407661.1 and 3 more transcripts); c.481A>G, p.Thr161Ala (NM_001407692.1, NM_001407694.1, NM_001407695.1 and 43 more transcripts); c.478A>G, p.Thr160Ala (NM_001407740.1, NM_001407741.1, NM_001407742.1 and 26 more transcripts); and 4 more; short protein forms T161A, T208A, T138A, T163A, T80A, T181A, T182A, T137A.
Identifiers: ClinVar variation 920338 (VCV000920338.6), dbSNP rs2054115270, ClinGen allele CA10600858.